The following is an entry in ClinVar:

ClinVar aggregate classification (germline): Conflicting classifications of pathogenicity. Review status: criteria provided, conflicting classifications (1 of 4 stars). 3 submissions from 3 submitters: Uncertain significance (2); Likely benign (1). Last evaluated 2025-09-02.

Conditions:
Hereditary cancer-predisposing syndrome. Also called: Neoplastic Syndromes, Hereditary; Hereditary Cancer Syndrome; Tumor predisposition; Hereditary neoplastic syndrome. Identifiers: Orphanet 140162, MedGen C0027672, MeSH D009386, MONDO:0015356.
Retinoblastoma (RB1). Also called: RETINOBLASTOMA, SOMATIC. Identifiers: Orphanet 790, MedGen C0035335, MeSH D012175, MONDO:0008380, OMIM 180200, HP:0009919. Disease mechanism: loss of function. Inheritance: Both sporadic and heritable forms are tested..

Submissions (3):

Labcorp Genetics (formerly Invitae), Labcorp
Classification: Likely benign for Retinoblastoma. Last evaluated: 2025-09-02. Review status: criteria provided, single submitter. Criteria: Invitae Variant Classification Sherloc (09022015). Collection method: clinical testing. Allele origin: germline.

Ambry Genetics
Classification: Uncertain significance for Hereditary cancer-predisposing syndrome. Last evaluated: 2025-07-17. Review status: criteria provided, single submitter. Criteria: Ambry Variant Classification Scheme 2023. Collection method: clinical testing. Allele origin: germline.
Comment: The c.45_50dupTGCCGC variant (also known as p.A17_A18dup), located in coding exon 1 of the RB1 gene, results from an in-frame duplication of TGCCGC at nucleotide positions 45 to 50. This results in the duplication of 2 extra residues (AA) between codons 17 and 18. This amino acid position is well conserved in available vertebrate species. In addition, this alteration is predicted to be neutral by in silico analysis (Choi Y et al. PLoS ONE. 2012; 7(10):e46688). Since supporting evidence is limited at this time, the clinical significance of this alteration remains unclear.

All of Us Research Program, National Institutes of Health
Classification: Uncertain significance for Retinoblastoma. Last evaluated: 2023-07-10. Review status: criteria provided, single submitter. Criteria: ACMG Guidelines, 2015. Collection method: clinical testing. Allele origin: germline. Inheritance: Autosomal dominant inheritance. Observed: 1 variant allele, 1 heterozygote.
Comment: This variant causes an in-frame duplication of amino acids 17 and 18 in the RB1 protein. To our knowledge, functional studies have not been reported for this variant. This variant has not been reported in individuals affected with RB1-related disorders in the literature. This variant has been identified in 1/31200 chromosomes in the general population by the Genome Aggregation Database (gnomAD). The available evidence is insufficient to determine the role of this variant in disease conclusively. Therefore, this variant is classified as a Variant of Uncertain Significance.

This study involves interpretation of variants in research participants for the purpose of population health screening. Participant phenotype was not available at the time of variant classification. Additional details can be found in publication PMID: 35346344, PMCID: PMC8962531

NM_000321.3(RB1):c.45_50dup (p.Ala17_Ala18dup)

Gene: RB1 (RB transcriptional corepressor 1; plus strand). Cytogenetic location: 13q14.2.
Variant type: Duplication.
Coding change: c.45_50dup on transcript NM_000321.3 (MANE Select); coding-DNA positions 45 to 50, 6 bases duplicated (TGCCGC; older notation c.45_50dupTGCCGC).
Protein change: p.Ala17_Ala18dup.
Molecular consequence: inframe insertion.
Genome position (GRCh38, 1-based): chr13:48,303,957-48,303,962, TGCCGC duplicated; duplicating any 6 consecutive bases within chr13:48,303,952-48,303,962 gives the same sequence; the c. name uses the placement nearest the transcript's 3' end. VCF-style (leftmost placement, unchanged base first): chr13-48303951-C-CGCCGCT. GRCh37 (hg19) VCF-style: chr13-48878087-C-CGCCGCT.
Other names: c.45_50dupTGCCGC (NM_000321.2).
Identifiers: ClinVar variation 853363 (VCV000853363.14), dbSNP rs1173330253, ClinGen allele CA609859316.
Genomic context (GRCh38, chr13:48,303,951, plus strand): 5'-GCTCCCGCCGCGGAAAGGCGTCATGCCGCCCAAAACCCCCCGAAAAACGGCCGCCACCGC[C>CGCCGCT]GCCGCTGCCGCCGCGGAACCCCCGGCACCGCCGCCGCCGCCCCCTCCTGAGGAGGACCCA-3'